The following is an entry in ClinVar:

NM_001370466.1(NOD2):c.899_900del (p.Phe300fs)

Gene: NOD2 (nucleotide binding oligomerization domain containing 2; plus strand). Cytogenetic location: 16q12.1.
Variant type: Deletion.
Coding change: c.899_900del on transcript NM_001370466.1 (MANE Select); coding-DNA positions 899 to 900, 2 bases deleted (TT; older notation c.899_900delTT).
Protein change: p.Phe300fs; shifts the reading frame from phenylalanine 300.
Molecular consequence: frameshift variant. On other transcripts: non-coding transcript variant (1).
Genome position (GRCh38, 1-based): chr16:50,710,891-50,710,892, TT deleted; deleting any 2 consecutive bases within chr16:50,710,890-50,710,892 gives the same sequence; the c. name uses the placement nearest the transcript's 3' end. VCF-style (leftmost placement, unchanged base first): chr16-50710889-CTT-C. GRCh37 (hg19) VCF-style: chr16-50744800-CTT-C.
Other names: c.899_900del, p.Phe300fs (NM_001293557.2); c.980_981del, p.Phe327fs (NM_022162.3); short protein forms F327fs, F300fs.
Identifiers: ClinVar variation 1921887 (VCV001921887.6), dbSNP rs762053317, ClinGen allele CA281261825.
Genomic context (GRCh38, chr16:50,710,889, plus strand): 5'-CACGCTCCTGCAGCGGCTGCACTTGCTGTGGGCTGCAGGGCAAGACTTCCAGGAATTTCT[CTT>C]TGTCTTCCCATTCAGCTGCCGGCAGCTGCAGTGCATGGCCAAACCACTCTCTGTGCGGAC-3'

ClinVar aggregate classification (germline): Uncertain significance. Review status: criteria provided, multiple submitters, no conflicts (2 of 4 stars). 2 submissions from 2 submitters: Uncertain significance (2). Last evaluated 2024-06-04.

Conditions:
Regional enteritis. Also called: Enteritis, Granulomatous. Identifiers: MedGen C0678202, MeSH D003424.
Blau syndrome (BLAUS). Also called: ARTHROCUTANEOUVEAL GRANULOMATOSIS; GRANULOMATOSIS, FAMILIAL JUVENILE SYSTEMIC; GRANULOMATOSIS, FAMILIAL, BLAU TYPE; GRANULOMATOUS INFLAMMATORY ARTHRITIS, DERMATITIS, AND UVEITIS, FAMILIAL; JABS SYNDROME. Identifiers: Orphanet 90340, MedGen C5201146, MONDO:0008523, OMIM 186580.

Submissions (2):

Blueprint Genetics
Classification: Uncertain significance. Last evaluated: 2024-06-04. Review status: criteria provided, single submitter. Criteria: ACMG Guidelines, 2015. Collection method: clinical testing. Allele origin: germline.

Labcorp Genetics (formerly Invitae), Labcorp
Classification: Uncertain significance for Regional enteritis; Blau syndrome. Last evaluated: 2022-09-07. Review status: criteria provided, single submitter. Criteria: Invitae Variant Classification Sherloc (09022015). Collection method: clinical testing. Allele origin: germline.
Comment: In summary, the available evidence is currently insufficient to determine the role of this variant in disease. Therefore, it has been classified as a Variant of Uncertain Significance. Experimental studies and prediction algorithms are not available or were not evaluated, and the functional significance of this variant is currently unknown. This variant has not been reported in the literature in individuals affected with NOD2-related conditions. This variant is not present in population databases (gnomAD no frequency). This sequence change creates a premature translational stop signal (p.Phe327Cysfs*24) in the NOD2 gene. It is expected to result in an absent or disrupted protein product. However, the current clinical and genetic evidence is not sufficient to establish whether loss-of-function variants in NOD2 cause disease.